The following is an entry in ClinVar:

ClinVar aggregate classification (germline): Likely pathogenic (1 of 4 stars; one submission).

Submission:

Baylor Genetics
Classification: Likely pathogenic. Last evaluated: 2018-11-01. Review status: criteria provided, single submitter. Criteria: ACMG CNV Guidelines, 2011. Collection method: clinical testing. Allele origin: germline. Observed: 1 variant allele.

GRCh37/hg19 14q32.32-32.33(chr14:103804791-105677579)

Genes: KLC1 (kinesin light chain 1; plus strand), MARK3 (microtubule affinity regulating kinase 3; plus strand), MIR203A (microRNA 203a; plus strand), TRMT61A (tRNA methyltransferase 61A; plus strand), XRCC3 (X-ray repair cross complementing 3; minus strand) and 27 more. Cytogenetic location: 14q32.32-32.33.
Variant type: copy number loss.
Identifiers: ClinVar variation 625708 (VCV000625708.1).